The following is an entry in ClinVar:

NM_001256317.3(TMPRSS3):c.*815A>G

Gene: TMPRSS3 (transmembrane serine protease 3; minus strand). Cytogenetic location: 21q22.3.
Variant type: single nucleotide variant.
Coding change: c.*815A>G on transcript NM_001256317.3 (MANE Select); 815 bases downstream of the stop codon, A replaced by G.
Molecular consequence: 3 prime UTR variant.
Genome position (GRCh38, 1-based): chr21:42,371,947, T>C on the plus strand (A>G on the coding strand, the complement: TMPRSS3 is on the minus strand). VCF-style: chr21-42371947-T-C. GRCh37 (hg19) VCF-style: chr21-43792056-T-C.
Other names: c.*815A>G (NM_024022.4, NM_032404.3).
Identifiers: ClinVar variation 340040 (VCV000340040.35), dbSNP rs116974943, ClinGen allele CA10042129.

ClinVar aggregate classification (germline): Conflicting classifications of pathogenicity. Review status: criteria provided, conflicting classifications (1 of 4 stars). 2 submissions from 2 submitters: Uncertain significance (1); Benign (1). Last evaluated 2023-04-01.

Conditions:
Autosomal recessive nonsyndromic hearing loss 8 (DFNB8). Also called: NEUROSENSORY NONSYNDROMIC RECESSIVE DEAFNESS 8; Deafness, autosomal recessive 10. Identifiers: Orphanet 90636, MedGen C1832827, MONDO:0010987, OMIM 601072.

Allele frequency attached by ClinVar (database versions not stated): 1000 Genomes Project 30x 0.00453; 1000 Genomes Project 0.00499; TOPMed 0.00753; gnomAD 0.00777 and 0.00784; gnomAD exomes 0.00815 and 0.00873; ExAC 0.00937.
gnomAD v4.1: 3,820 of 454,588 alleles (0.84%); highest among the groups gnomAD compares: Non-Finnish European, 1.2%; 37 homozygotes.

Submissions (2):

CeGaT Center for Human Genetics Tuebingen
Classification: Benign. Last evaluated: 2023-04-01. Review status: criteria provided, single submitter. Criteria: CeGaT Center For Human Genetics Tuebingen Variant Classification Criteria Version 2. Collection method: clinical testing. Allele origin: germline. Affected: yes. Observed: 2 variant alleles.
Comment: TMPRSS3: BS1, BS2

Illumina Laboratory Services, Illumina
Classification: Uncertain significance for Autosomal recessive nonsyndromic hearing loss 8. Last evaluated: 2018-01-13. Review status: criteria provided, single submitter. Criteria: ICSL Variant Classification Criteria 13 December 2019. Collection method: clinical testing. Allele origin: germline.